The following is an entry in ClinVar:

NM_000019.4(ACAT1):c.749del (p.Val250fs)

Gene: ACAT1 (acetyl-CoA acetyltransferase 1; plus strand). Cytogenetic location: 11q22.3.
Variant type: Deletion.
Coding change: c.749del on transcript NM_000019.4 (MANE Select); coding-DNA position 749, one base deleted (T; older notation c.749delT).
Protein change: p.Val250fs; shifts the reading frame from valine 250.
Molecular consequence: frameshift variant. On other transcripts: non-coding transcript variant (2).
Genome position (GRCh38, 1-based): chr11:108,141,623, T deleted. VCF-style (leftmost placement, unchanged base first): chr11-108141622-GT-G. GRCh37 (hg19) VCF-style: chr11-108012349-GT-G.
Other names: c.749del, p.Val250fs (NM_001386677.1); c.434del, p.Val145fs (NM_001386678.1); c.452del, p.Val151fs (NM_001386679.1); c.479del, p.Val160fs (NM_001386681.1, NM_001386682.1, NM_001386685.1 and 6 more transcripts); short protein forms V145fs, V151fs, V160fs, V250fs.
Identifiers: ClinVar variation 1069705 (VCV001069705.10), dbSNP rs1565293957, ClinGen allele CA601678407.

ClinVar aggregate classification (germline): Pathogenic. Review status: criteria provided, multiple submitters, no conflicts (2 of 4 stars). 2 submissions from 2 submitters: Pathogenic (2). Last evaluated 2025-11-26.

Conditions:
Deficiency of acetyl-CoA acetyltransferase. Also called: MITOCHONDRIAL ACETOACETYL-CoA THIOLASE DEFICIENCY; 3-KETOTHIOLASE DEFICIENCY; 3-OXOTHIOLASE DEFICIENCY; Beta-ketothiolase deficiency. Identifiers: Orphanet 134, MedGen C1536500, MONDO:0008760, OMIM 203750. Disease mechanism: loss of function.

Allele frequency attached by ClinVar (database versions not stated): gnomAD exomes below 0.00001; gnomAD 0.00001; TOPMed 0.00001.

Submissions (2):

Myriad Genetics, Inc.
Classification: Pathogenic for Deficiency of acetyl-CoA acetyltransferase. Last evaluated: 2025-11-26. Review status: criteria provided, single submitter. Criteria: Myriad Autosomal Dominant, Autosomal Recessive and X-Linked Classification Criteria (2023). Collection method: clinical testing. Allele origin: unknown.
Comment: NM_000019.3(ACAT1):c.749delT(V250Gfs*18) is a frameshift variant classified as pathogenic in the context of beta-ketothiolase deficiency. V250Gfs*18 has not been observed in cases with relevant disease. Relevant functional assessments of this variant are not available in the literature. V250Gfs*18 has been observed in referenced population frequency databases. In summary, NM_000019.3(ACAT1):c.749delT(V250Gfs*18) is a frameshift variant in a gene where loss of function is a known mechanism of disease and is predicted to disrupt protein function. Please note: this variant was assessed in the context of healthy population screening.

Labcorp Genetics (formerly Invitae), Labcorp
Classification: Pathogenic for Deficiency of acetyl-CoA acetyltransferase. Last evaluated: 2024-02-01. Review status: criteria provided, single submitter. Criteria: Invitae Variant Classification Sherloc (09022015). Collection method: clinical testing. Allele origin: germline.
Comment: This sequence change creates a premature translational stop signal (p.Val250Glyfs*18) in the ACAT1 gene. It is expected to result in an absent or disrupted protein product. Loss-of-function variants in ACAT1 are known to be pathogenic (PMID: 7749408). This variant is present in population databases (no rsID available, gnomAD 0.0009%). This variant has not been reported in the literature in individuals affected with ACAT1-related conditions. ClinVar contains an entry for this variant (Variation ID: 1069705). For these reasons, this variant has been classified as Pathogenic.

Literature cited by the submitters: PubMed 7749408 (cited by Labcorp Genetics (formerly Invitae), Labcorp).